The following is an entry in ClinVar:

ClinVar aggregate classification (germline): Uncertain significance (1 of 4 stars; one submission).

Conditions:
Peroxisome biogenesis disorder 11A (Zellweger). Also called: Peroxisome biogenesis disorder 11A. Identifiers: Orphanet 912, MedGen C3554000, MONDO:0013949, OMIM 614883.

Allele frequency attached by ClinVar (database versions not stated): gnomAD exomes 0.00001.
gnomAD v4.1: 11 of 1,613,760 alleles (0.00068%); highest among the groups gnomAD compares: Non-Finnish European, 0.00093%; no homozygotes.

Submission:

Labcorp Genetics (formerly Invitae), Labcorp
Classification: Uncertain significance for Peroxisome biogenesis disorder 11A (Zellweger). Last evaluated: 2021-08-27. Review status: criteria provided, single submitter. Criteria: Invitae Variant Classification Sherloc (09022015). Collection method: clinical testing. Allele origin: germline.
Comment: This sequence change replaces isoleucine with valine at codon 236 of the PEX13 protein (p.Ile236Val). The isoleucine residue is moderately conserved and there is a small physicochemical difference between isoleucine and valine. This variant is not present in population databases (ExAC no frequency). This variant has not been reported in the literature in individuals affected with PEX13-related conditions. Algorithms developed to predict the effect of missense changes on protein structure and function (SIFT, PolyPhen-2, Align-GVGD) all suggest that this variant is likely to be tolerated. In summary, the available evidence is currently insufficient to determine the role of this variant in disease. Therefore, it has been classified as a Variant of Uncertain Significance.

NM_002618.4(PEX13):c.706A>G (p.Ile236Val)

Gene: PEX13 (peroxisomal biogenesis factor 13; plus strand). Cytogenetic location: 2p15.
Variant type: single nucleotide variant.
Coding change: c.706A>G on transcript NM_002618.4 (MANE Select); coding-DNA position 706, A replaced by G.
Protein change: p.Ile236Val; replaces isoleucine 236 with valine.
Molecular consequence: missense variant.
Genome position (GRCh38, 1-based): chr2:61,032,032, A>G. VCF-style: chr2-61032032-A-G. GRCh37 (hg19) VCF-style: chr2-61259167-A-G.
Other names: short protein forms I236V.
Identifiers: ClinVar variation 1389382 (VCV001389382.5), dbSNP rs1292217685, ClinGen allele CA346944522.